The following is an entry in ClinVar:

ClinVar aggregate classification (germline): Uncertain significance (1 of 4 stars; one submission).

Conditions:
Brachyolmia-amelogenesis imperfecta syndrome. Also called: PLATYSPONDYLY WITH AMELOGENESIS IMPERFECTA; Tooth agenesis, selective, 6; Dental anomalies and short stature. Identifiers: Orphanet 2899, MedGen C1832594, MONDO:0011018, OMIM 601216. Disease mechanism: loss of function.

Submission:

Labcorp Genetics (formerly Invitae), Labcorp
Classification: Uncertain significance for Brachyolmia-amelogenesis imperfecta syndrome. Last evaluated: 2024-09-10. Review status: criteria provided, single submitter. Criteria: Invitae Variant Classification Sherloc (09022015). Collection method: clinical testing. Allele origin: germline.
Comment: This sequence change falls in intron 8 of the LTBP3 gene. It does not directly change the encoded amino acid sequence of the LTBP3 protein. This variant is not present in population databases (gnomAD no frequency). This variant has not been reported in the literature in individuals affected with LTBP3-related conditions. Experimental studies and prediction algorithms are not available or were not evaluated, and the effect of this variant on mRNA splicing is currently unknown. In summary, the available evidence is currently insufficient to determine the role of this variant in disease. Therefore, it has been classified as a Variant of Uncertain Significance.

NM_001130144.3(LTBP3):c.1532-32_1532-17del

Gene: LTBP3 (latent transforming growth factor beta binding protein 3; minus strand). Cytogenetic location: 11q13.1.
Variant type: Deletion.
Coding change: c.1532-32_1532-17del on transcript NM_001130144.3 (MANE Select); 32 bases into the intron before coding-DNA position 1532 through 17 bases into the intron before coding-DNA position 1532, 16 bases deleted (ACACTTCATGGCCCCA).
Molecular consequence: intron variant.
Genome position (GRCh38, 1-based): chr11:65,551,581-65,551,596, TGGGGCCATGAAGTGT deleted on the plus strand (ACACTTCATGGCCCCA on the coding strand, the reverse complement: LTBP3 is on the minus strand); deleting any 16 consecutive bases within chr11:65,551,581-65,551,602 gives the same sequence; the c. name uses the placement nearest the transcript's 3' end. VCF-style (leftmost placement, unchanged base first): chr11-65551580-ATGGGGCCATGAAGTGT-A. GRCh37 (hg19) VCF-style: chr11-65319051-ATGGGGCCATGAAGTGT-A.
Other names: c.1181-32_1181-17del (NM_001164266.1); c.1532-32_1532-17del (NM_021070.4).
Identifiers: ClinVar variation 3679880 (VCV003679880.2).